The following is an entry in ClinVar:

ClinVar aggregate classification (germline): Uncertain significance (1 of 4 stars; one submission).

Conditions:
Dyskeratosis congenita. Identifiers: Orphanet 1775, MedGen C0265965, MONDO:0015780.

Allele frequency attached by ClinVar (database versions not stated): gnomAD exomes below 0.00001 and 0.00001; ExAC 0.00001; gnomAD 0.00001 and 0.00002; TOPMed 0.00002.
gnomAD v4.1: 9 of 1,614,040 alleles (0.00056%); highest among the groups gnomAD compares: African/African-American, 0.0027%; no homozygotes.

Submission:

Labcorp Genetics (formerly Invitae), Labcorp
Classification: Uncertain significance for Dyskeratosis congenita. Last evaluated: 2022-11-22. Review status: criteria provided, single submitter. Criteria: Invitae Variant Classification Sherloc (09022015). Collection method: clinical testing. Allele origin: germline.
Comment: ClinVar contains an entry for this variant (Variation ID: 1357699). This sequence change replaces tyrosine, which is neutral and polar, with cysteine, which is neutral and slightly polar, at codon 448 of the CTC1 protein (p.Tyr448Cys). This variant is present in population databases (rs779866795, gnomAD 0.003%). This variant has not been reported in the literature in individuals affected with CTC1-related conditions. Advanced modeling of protein sequence and biophysical properties (such as structural, functional, and spatial information, amino acid conservation, physicochemical variation, residue mobility, and thermodynamic stability) performed at Invitae indicates that this missense variant is not expected to disrupt CTC1 protein function. In summary, the available evidence is currently insufficient to determine the role of this variant in disease. Therefore, it has been classified as a Variant of Uncertain Significance.

NM_025099.6(CTC1):c.1343A>G (p.Tyr448Cys)

Gene: CTC1 (CST telomere replication complex component 1; minus strand). Cytogenetic location: 17p13.1.
Variant type: single nucleotide variant.
Coding change: c.1343A>G on transcript NM_025099.6 (MANE Select); coding-DNA position 1343, A replaced by G.
Protein change: p.Tyr448Cys; replaces tyrosine 448 with cysteine.
Molecular consequence: missense variant. On other transcripts: non-coding transcript variant (1).
Genome position (GRCh38, 1-based): chr17:8,235,149, T>C on the plus strand (A>G on the coding strand, the complement: CTC1 is on the minus strand). VCF-style: chr17-8235149-T-C. GRCh37 (hg19) VCF-style: chr17-8138467-T-C.
Other names: short protein forms Y448C.
Identifiers: ClinVar variation 1357699 (VCV001357699.7), dbSNP rs779866795, ClinGen allele CA8372380.
Genomic context (GRCh38, chr17:8,235,149, plus strand): 5'-AGGTAGAGGGGAAGTCCTAACTGACGTTCCCACACCAGCTGCTCGTACAGGGAGGCCCCG[T>C]AGGCTTGACGGGATGAGTGAGCCCCAGGCTTCTGACGAGAGAAGCTTTGAAGCAGAACGG-3'
Protein context (NP_079375.3, residues 438-458): KPGAHSSRQA[Tyr448Cys]GASLYEQLVW